The following is an entry in ClinVar:

ClinVar aggregate classification (germline): Uncertain significance (1 of 4 stars; one submission).

Conditions:
Ullrich congenital muscular dystrophy 2 (UCMD2). Identifiers: Orphanet 75840, MedGen C4225314, MONDO:0014654, OMIM 616470.
Bethlem myopathy 2 (BTHLM2). Identifiers: Orphanet 536516, Orphanet 610, MedGen C4225313, MONDO:0034022, OMIM 616471.

Submission:

Labcorp Genetics (formerly Invitae), Labcorp
Classification: Uncertain significance for Bethlem myopathy 2; Ullrich congenital muscular dystrophy 2. Last evaluated: 2020-07-13. Review status: criteria provided, single submitter. Criteria: Invitae Variant Classification Sherloc (09022015). Collection method: clinical testing. Allele origin: germline.
Comment: In summary, the available evidence is currently insufficient to determine the role of this variant in disease. Therefore, it has been classified as a Variant of Uncertain Significance. Algorithms developed to predict the effect of missense changes on protein structure and function are either unavailable or do not agree on the potential impact of this missense change (SIFT: "Deleterious"; PolyPhen-2: "Probably Damaging"; Align-GVGD: "Class C0"). This variant has not been reported in the literature in individuals with COL12A1-related conditions. This variant is not present in population databases (ExAC no frequency). This sequence change replaces glycine with valine at codon 708 of the COL12A1 protein (p.Gly708Val). The glycine residue is highly conserved and there is a moderate physicochemical difference between glycine and valine.

NM_004370.6(COL12A1):c.2123G>T (p.Gly708Val)

Gene: COL12A1 (collagen type XII alpha 1 chain; minus strand). Cytogenetic location: 6q13.
Variant type: single nucleotide variant.
Coding change: c.2123G>T on transcript NM_004370.6 (MANE Select); coding-DNA position 2123, G replaced by T.
Protein change: p.Gly708Val; replaces glycine 708 with valine.
Molecular consequence: missense variant. On other transcripts: intron variant (1).
Genome position (GRCh38, 1-based): chr6:75,180,980, C>A on the plus strand (G>T on the coding strand, the complement: COL12A1 is on the minus strand). VCF-style: chr6-75180980-C-A. GRCh37 (hg19) VCF-style: chr6-75890696-C-A.
Other names: c.73+21740G>T (NM_080645.3); short protein forms G708V.
Identifiers: ClinVar variation 1060475 (VCV001060475.9), dbSNP rs2149461913, ClinGen allele CA364765934.